The following is an entry in ClinVar:

ClinVar aggregate classification (germline): Uncertain significance (1 of 4 stars; one submission).

Submission:

GeneDx
Classification: Uncertain significance. Last evaluated: 2023-02-01. Review status: criteria provided, single submitter. Criteria: GeneDx Variant Classification Process June 2021. Collection method: clinical testing. Allele origin: germline. Affected: yes.
Comment: In silico analysis supports a deleterious effect on splicing; Has not been previously published as pathogenic or benign to our knowledge

NM_001367479.1(DNAH14):c.5977+3_5977+6del

Gene: DNAH14 (dynein axonemal heavy chain 14; plus strand). Cytogenetic location: 1q42.12.
Variant type: Deletion.
Coding change: c.5977+3_5977+6del on transcript NM_001367479.1 (MANE Select); bases 3 to 6 of the intron after coding-DNA position 5977, 4 bases deleted (AAGT; older notation c.5977+3_5977+6delAAGT).
Molecular consequence: splice donor variant.
Genome position (GRCh38, 1-based): chr1:225,204,276-225,204,279, AAGT deleted; deleting any 4 consecutive bases within chr1:225,204,273-225,204,279 gives the same sequence; the c. name uses the placement nearest the transcript's 3' end. VCF-style (leftmost placement, unchanged base first): chr1-225204272-CAGTA-C. GRCh37 (hg19) VCF-style: chr1-225391974-CAGTA-C.
Identifiers: ClinVar variation 2574705 (VCV002574705.1), dbSNP rs745922822, ClinGen allele CA1416181.
Genomic context (GRCh38, chr1:225,204,272, plus strand): 5'-AGAGACTGATGATAATATTTTTGAGGAGATAGAGAAAGTTGTTAAAATTCCAGAAAATCA[CAGTA>C]AGTGTTACTAAATTCAAGAAAGATTATTAATATAGAAGACAAACTCTCAACCAATATGAG-3'